The following is an entry in ClinVar:

ClinVar aggregate classification (germline): Uncertain significance. Review status: criteria provided, multiple submitters, no conflicts (2 of 4 stars). 2 submissions from 2 submitters: Uncertain significance (2). Last evaluated 2025-10-22.

Conditions:
Hereditary sensory and autonomic neuropathy type 7. Also called: Neuropathy, hereditary sensory and autonomic, type VII; HSAN VII. Identifiers: Orphanet 391397, MedGen C3809882, MONDO:0014244, OMIM 615548.
Familial episodic pain syndrome with predominantly lower limb involvement. Also called: Episodic pain syndrome, familial, 3. Identifiers: Orphanet 391384, Orphanet 391392, MedGen C3809899, MONDO:0014247, OMIM 615552.
Inborn genetic diseases. Identifiers: MedGen C0950123, MeSH D030342.

Allele frequency attached by ClinVar (database versions not stated): gnomAD exomes 0.00001; TOPMed 0.00001; gnomAD 0.00001 and 0.00002; 1000 Genomes Project 30x 0.00016; 1000 Genomes Project 0.00020.

Submissions (2):

Labcorp Genetics (formerly Invitae), Labcorp
Classification: Uncertain significance for Familial episodic pain syndrome with predominantly lower limb involvement; Hereditary sensory and autonomic neuropathy type 7. Last evaluated: 2025-10-22. Review status: criteria provided, single submitter. Criteria: Invitae Variant Classification Sherloc (09022015). Collection method: clinical testing. Allele origin: germline.
Comment: This sequence change replaces serine, which is neutral and polar, with cysteine, which is neutral and slightly polar, at codon 474 of the SCN11A protein (p.Ser474Cys). This variant is present in population databases (rs576179462, gnomAD 0.006%). This variant has not been reported in the literature in individuals affected with SCN11A-related conditions. ClinVar contains an entry for this variant (Variation ID: 852879). Invitae Evidence Modeling of protein sequence and biophysical properties (such as structural, functional, and spatial information, amino acid conservation, physicochemical variation, residue mobility, and thermodynamic stability) indicates that this missense variant is not expected to disrupt SCN11A protein function with a negative predictive value of 80%. In summary, the available evidence is currently insufficient to determine the role of this variant in disease. Therefore, it has been classified as a Variant of Uncertain Significance.

Ambry Genetics
Classification: Uncertain significance for Inborn genetic diseases. Last evaluated: 2019-11-28. Review status: criteria provided, single submitter. Criteria: Ambry Variant Classification Scheme 2023. Collection method: clinical testing. Allele origin: germline.
Comment: The p.S474C variant (also known as c.1421C>G), located in coding exon 10 of the SCN11A gene, results from a C to G substitution at nucleotide position 1421. The serine at codon 474 is replaced by cysteine, an amino acid with dissimilar properties. This amino acid position is not well conserved in available vertebrate species. In addition, this alteration is predicted to be tolerated by in silico analysis. Since supporting evidence is limited at this time, the clinical significance of this alteration remains unclear.

NM_001349253.2(SCN11A):c.1421C>G (p.Ser474Cys)

Gene: SCN11A (sodium voltage-gated channel alpha subunit 11; minus strand). Cytogenetic location: 3p22.2.
Variant type: single nucleotide variant.
Coding change: c.1421C>G on transcript NM_001349253.2 (MANE Select); coding-DNA position 1421, C replaced by G.
Protein change: p.Ser474Cys; replaces serine 474 with cysteine.
Molecular consequence: missense variant.
Genome position (GRCh38, 1-based): chr3:38,908,001, G>C on the plus strand (C>G on the coding strand, the complement: SCN11A is on the minus strand). VCF-style: chr3-38908001-G-C. GRCh37 (hg19) VCF-style: chr3-38949492-G-C.
Other names: c.1421C>G, p.Ser474Cys (NM_014139.3); short protein forms S474C.
Identifiers: ClinVar variation 852879 (VCV000852879.9), dbSNP rs576179462, ClinGen allele CA72963583.